The following is an entry in ClinVar:

ClinVar aggregate classification (germline): Uncertain significance (1 of 4 stars; one submission).

Conditions:
Familial cold autoinflammatory syndrome 3 (FCAS3). Also called: FAMILIAL ATYPICAL COLD URTICARIA; ANTIBODY DEFICIENCY AND IMMUNE DYSREGULATION, PLCG2-ASSOCIATED. Identifiers: Orphanet 300359, MedGen C3280914, MONDO:0013766, OMIM 614468.

gnomAD v4.1: 3 of 1,612,782 alleles (0.00019%); highest among the groups gnomAD compares: Non-Finnish European, 0.00025%; no homozygotes.

Submission:

Labcorp Genetics (formerly Invitae), Labcorp
Classification: Uncertain significance for Familial cold autoinflammatory syndrome 3. Last evaluated: 2024-10-24. Review status: criteria provided, single submitter. Criteria: Invitae Variant Classification Sherloc (09022015). Collection method: clinical testing. Allele origin: germline.
Comment: This sequence change replaces aspartic acid, which is acidic and polar, with glutamic acid, which is acidic and polar, at codon 666 of the PLCG2 protein (p.Asp666Glu). This variant is not present in population databases (gnomAD no frequency). This variant has not been reported in the literature in individuals affected with PLCG2-related conditions. ClinVar contains an entry for this variant (Variation ID: 1426033). An algorithm developed to predict the effect of missense changes on protein structure and function (PolyPhen-2) suggests that this variant is likely to be tolerated. In summary, the available evidence is currently insufficient to determine the role of this variant in disease. Therefore, it has been classified as a Variant of Uncertain Significance.

NM_002661.5(PLCG2):c.1998C>G (p.Asp666Glu)

Gene: PLCG2 (phospholipase C gamma 2; plus strand). Cytogenetic location: 16q23.3.
Variant type: single nucleotide variant.
Coding change: c.1998C>G on transcript NM_002661.5 (MANE Select); coding-DNA position 1998, C replaced by G.
Protein change: p.Asp666Glu; replaces aspartic acid 666 with glutamic acid.
Molecular consequence: missense variant.
Genome position (GRCh38, 1-based): chr16:81,912,660, C>G. VCF-style: chr16-81912660-C-G. GRCh37 (hg19) VCF-style: chr16-81946265-C-G.
Other names: short protein forms D666E.
Identifiers: ClinVar variation 1426033 (VCV001426033.6), dbSNP rs745784908, ClinGen allele CA396901393.